The following is an entry in ClinVar:

ClinVar aggregate classification (germline): Uncertain significance (1 of 4 stars; one submission).

Submission:

Labcorp Genetics (formerly Invitae), Labcorp
Classification: Uncertain significance. Last evaluated: 2025-06-09. Review status: criteria provided, single submitter. Criteria: Invitae Variant Classification Sherloc (09022015). Collection method: clinical testing. Allele origin: germline.
Comment: This sequence change replaces serine, which is neutral and polar, with asparagine, which is neutral and polar, at codon 140 of the AUTS2 protein (p.Ser140Asn). This variant is not present in population databases (gnomAD no frequency). This variant has not been reported in the literature in individuals affected with AUTS2-related conditions. ClinVar contains an entry for this variant (Variation ID: 3708436). An algorithm developed to predict the effect of missense changes on protein structure and function outputs the following: PolyPhen-2: "Benign". The asparagine amino acid residue is found in multiple mammalian species, which suggests that this missense change does not adversely affect protein function. In summary, the available evidence is currently insufficient to determine the role of this variant in disease. Therefore, it has been classified as a Variant of Uncertain Significance.

NM_015570.4(AUTS2):c.419G>A (p.Ser140Asn)

Gene: AUTS2 (activator of transcription and developmental regulator AUTS2; plus strand). Cytogenetic location: 7q11.22.
Variant type: single nucleotide variant.
Coding change: c.419G>A on transcript NM_015570.4 (MANE Select); coding-DNA position 419, G replaced by A.
Protein change: p.Ser140Asn; replaces serine 140 with asparagine.
Molecular consequence: missense variant.
Genome position (GRCh38, 1-based): chr7:69,899,395, G>A. VCF-style: chr7-69899395-G-A. GRCh37 (hg19) VCF-style: chr7-69364381-G-A.
Other names: c.419G>A, p.Ser140Asn (NM_001127231.3, NM_001127232.3); short protein forms S140N.
Identifiers: ClinVar variation 3708436 (VCV003708436.2).